The following is an entry in ClinVar:

NM_000059.4(BRCA2):c.1372C>A (p.Pro458Thr)

Gene: BRCA2 (BRCA2 DNA repair associated; plus strand). Cytogenetic location: 13q13.1.
Variant type: single nucleotide variant.
Coding change: c.1372C>A on transcript NM_000059.4 (MANE Select); coding-DNA position 1372, C replaced by A.
Protein change: p.Pro458Thr; replaces proline 458 with threonine.
Molecular consequence: missense variant. On other transcripts: non-coding transcript variant (1), intron variant (1).
Genome position (GRCh38, 1-based): chr13:32,332,850, C>A. VCF-style: chr13-32332850-C-A. GRCh37 (hg19) VCF-style: chr13-32906987-C-A.
Other names: c.1372C>A, p.Pro458Thr (NM_001406719.1, NM_001406720.1, NM_001406721.1 and 1 more transcripts); c.424+1820C>A (NM_001406722.1); short protein forms P458T.
Identifiers: ClinVar variation 3825405 (VCV003825405.1).
Genomic context (GRCh38, chr13:32,332,850, plus strand): 5'-GATTTTCTTACTTCAGAGAATTCTTTGCCACGTATTTCTAGCCTACCAAAATCAGAGAAG[C>A]CATTAAATGAGGAAACAGTGGTAAATAAGAGAGATGAAGAGCAGCATCTTGAATCTCATA-3'
Protein context (NP_000050.3, residues 448-468): RISSLPKSEK[Pro458Thr]LNEETVVNKR

ClinVar aggregate classification (germline): Uncertain significance (1 of 4 stars; one submission).

Conditions:
Hereditary cancer-predisposing syndrome. Also called: Hereditary neoplastic syndrome; Neoplastic Syndromes, Hereditary; Tumor predisposition; Hereditary Cancer Syndrome. Identifiers: Orphanet 140162, MedGen C0027672, MeSH D009386, MONDO:0015356.

Submission:

Ambry Genetics
Classification: Uncertain significance for Hereditary cancer-predisposing syndrome. Last evaluated: 2024-12-22. Review status: criteria provided, single submitter. Criteria: Ambry Variant Classification Scheme 2023. Collection method: clinical testing. Allele origin: germline.
Comment: The p.P458T variant (also known as c.1372C>A), located in coding exon 9 of the BRCA2 gene, results from a C to A substitution at nucleotide position 1372. The proline at codon 458 is replaced by threonine, an amino acid with highly similar properties. This amino acid position is conserved. In addition, this alteration is predicted to be tolerated by in silico analysis. Based on the available evidence, the clinical significance of this variant remains unclear.